The following is an entry in ClinVar:

NM_001148.6(ANK2):c.10223G>A (p.Arg3408Gln)

Gene: ANK2 (ankyrin 2; plus strand). Cytogenetic location: 4q26.
Variant type: single nucleotide variant.
Coding change: c.10223G>A on transcript NM_001148.6 (MANE Select); coding-DNA position 10223, G replaced by A.
Protein change: p.Arg3408Gln; replaces arginine 3408 with glutamine.
Molecular consequence: missense variant. On other transcripts: intron variant (68).
Genome position (GRCh38, 1-based): chr4:113,358,841, G>A. VCF-style: chr4-113358841-G-A. GRCh37 (hg19) VCF-style: chr4-114279997-G-A.
Other names: p.Arg3408Gln; c.9989G>A, p.Arg3330Gln (NM_001386142.1); c.6623G>A, p.Arg2208Gln (NM_001386166.1); c.10364G>A, p.Arg3455Gln (NM_001386174.1); c.10340G>A, p.Arg3447Gln (NM_001386175.1); c.4412-1982G>A (NM_001386186.2, NM_001386148.2); c.4214-1982G>A (NM_001354269.3); c.4292-1982G>A (NM_001386187.2); and 37 more; short protein forms R3408Q, R2208Q, R3330Q, R3447Q, R3455Q.
Identifiers: ClinVar variation 582371 (VCV000582371.11), dbSNP rs759274800, ClinGen allele CA3052041.

ClinVar aggregate classification (germline): Uncertain significance. Review status: criteria provided, multiple submitters, no conflicts (2 of 4 stars). 4 submissions from 4 submitters: Uncertain significance (4). Last evaluated 2022-10-04.

Conditions:
Cardiac arrhythmia, ankyrin-B-related. Also called: ANKYRIN-B SYNDROME. Identifiers: Orphanet 101016, Orphanet 768, MedGen C1970119, MONDO:0010958, OMIM 600919.
Long QT syndrome (LQTS). Identifiers: MedGen C0023976, MeSH D008133, MONDO:0002442. Disease mechanism: loss of function. Inheritance: Various modes of inheritance.

Allele frequency attached by ClinVar (database versions not stated): ExAC 0.00001; gnomAD exomes 0.00001; TOPMed 0.00002.
gnomAD v4.1: 19 of 1,613,926 alleles (0.0012%); highest among the groups gnomAD compares: African/African-American, 0.0027%; no homozygotes.

Submissions (4):

Mayo Clinic Laboratories, Mayo Clinic
Classification: Uncertain significance. Last evaluated: 2022-10-04. Review status: criteria provided, single submitter. Criteria: ACMG Guidelines, 2015. Collection method: clinical testing. Allele origin: germline. Observed: 1 variant allele.
Comment: BP4

Labcorp Genetics (formerly Invitae), Labcorp
Classification: Uncertain significance for Long QT syndrome. Last evaluated: 2022-07-12. Review status: criteria provided, single submitter. Criteria: Invitae Variant Classification Sherloc (09022015). Collection method: clinical testing. Allele origin: germline.
Comment: In summary, the available evidence is currently insufficient to determine the role of this variant in disease. Therefore, it has been classified as a Variant of Uncertain Significance. Algorithms developed to predict the effect of missense changes on protein structure and function (SIFT, PolyPhen-2, Align-GVGD) all suggest that this variant is likely to be tolerated. ClinVar contains an entry for this variant (Variation ID: 582371). This variant has not been reported in the literature in individuals affected with ANK2-related conditions. This variant is present in population databases (rs759274800, gnomAD 0.006%). This sequence change replaces arginine, which is basic and polar, with glutamine, which is neutral and polar, at codon 3408 of the ANK2 protein (p.Arg3408Gln).

Fulgent Genetics
Classification: Uncertain significance for Cardiac arrhythmia, ankyrin-B-related. Last evaluated: 2021-11-14. Review status: criteria provided, single submitter. Criteria: ACMG Guidelines, 2015. Collection method: clinical testing. Allele origin: unknown.

GeneDx
Classification: Uncertain significance. Last evaluated: 2021-05-27. Review status: criteria provided, single submitter. Criteria: GeneDx Variant Classification Process June 2021. Collection method: clinical testing. Allele origin: germline. Affected: yes.
Comment: Has not been previously published as pathogenic or benign to our knowledge; Not observed at a significant frequency in large population cohorts (Lek et al., 2016); In silico analysis supports that this missense variant does not alter protein structure/function; Reported in ClinVar but additional evidence is not available (ClinVar Variant ID#582371; Landrum et al., 2016)